The following is an entry in ClinVar:

NM_000232.5(SGCB):c.818_820delinsTTT (p.Ser273_Gly274delinsIleTer)

Gene: SGCB (sarcoglycan beta; minus strand). Cytogenetic location: 4q12.
Variant type: Indel.
Coding change: c.818_820delinsTTT on transcript NM_000232.5 (MANE Select); coding-DNA positions 818 to 820, GTG replaced by TTT.
Protein change: p.Ser273_Gly274delinsIleTer.
Molecular consequence: nonsense.
Genome position (GRCh38, 1-based): chr4:52,024,094-52,024,096, CAC replaced by AAA on the plus strand (GTG replaced by TTT on the coding strand, the reverse complement: SGCB is on the minus strand). VCF-style: chr4-52024094-CAC-AAA. GRCh37 (hg19) VCF-style: chr4-52890260-CAC-AAA.
Other names: c.608_610delinsTTT, p.Ser203_Gly204delinsIleTer (NM_001440519.1); c.521_523delinsTTT, p.Ser174_Gly175delinsIleTer (NM_001440520.1).
Identifiers: ClinVar variation 4817952 (VCV004817952.1).
Genomic context (GRCh38, chr4:52,024,094, plus strand): 5'-TCCCATCAGCACACATGCAGAGCTTGTAGCGTACCCAGTCACCACTACCCAACTGGTCTC[CAC>AAA]TGGAGGAACTGGGTAGGCGGGTGGTGCTGACCATCACAGATCCATTTAGGATGATACTGT-3'

ClinVar aggregate classification (germline): Likely pathogenic (1 of 4 stars; one submission).

Conditions:
Autosomal recessive limb-girdle muscular dystrophy type 2E (LGMDR4). Also called: MUSCULAR DYSTROPHY, LIMB-GIRDLE, AUTOSOMAL RECESSIVE 4. Identifiers: Orphanet 119, MedGen C1858593, MONDO:0011423, OMIM 604286. Disease mechanism: Affects gamma-sarcoglycan and also disrupts the integrity of the entire sarcoglycan complex..

Submission:

Natera, Inc.
Classification: Likely pathogenic for Limb-girdle muscular dystrophy type 2E. Last evaluated: 2024-04-17. Review status: criteria provided, single submitter. Criteria: Natera Variant Classification Schema (03/2026). Collection method: clinical testing. Allele origin: germline.
Comment: The c.818_820delGTGinsTTT variant in SGCB is a deletion-insertion (delins) variant predicted to replace one or more nucleotides with a different sequence. This variant is expected to result in nonsense mediated decay, truncation, or a dysfunctional protein product. This variant is rare in the general population with a frequency below the threshold expected for the associated phenotype(s). Given the available evidence, this variant is classified as Likely Pathogenic.